The following is an entry in ClinVar:

NM_001329943.3(KIAA0586):c.1892dup (p.Leu631fs)

Gene: KIAA0586 (KIAA0586; plus strand). Cytogenetic location: 14q23.1.
Variant type: Duplication.
Coding change: c.1892dup on transcript NM_001329943.3 (MANE Select); coding-DNA position 1892, one base duplicated (T; older notation c.1892dupT).
Protein change: p.Leu631fs; shifts the reading frame from leucine 631.
Molecular consequence: frameshift variant.
Genome position (GRCh38, 1-based): chr14:58,460,993, T duplicated; the last of 4 consecutive T bases (chr14:58,460,990-58,460,993); duplicating any one gives the same sequence. VCF-style (leftmost placement, unchanged base first): chr14-58460989-C-CT. GRCh37 (hg19) VCF-style: chr14-58927707-C-CT.
Other names: c.2051dup, p.Leu684fs (NM_001244189.2); c.1847dup, p.Leu616fs (NM_001244190.2); c.1637dup, p.Leu546fs (NM_001244191.2, NM_001329945.2, NM_001364700.1 and 1 more transcripts); c.1760dup, p.Leu587fs (NM_001244192.2); c.1472dup, p.Leu491fs (NM_001244193.2); c.1892dup, p.Leu631fs (NM_001329944.2, NM_001329946.2, NM_001329947.2); c.1664dup, p.Leu555fs (NM_014749.5); short protein forms L555fs, L616fs, L546fs, L587fs, L491fs, L631fs, L684fs.
Identifiers: ClinVar variation 2128114 (VCV002128114.4), dbSNP rs2543152118, ClinGen allele CA2580088262.
Genomic context (GRCh38, chr14:58,460,989, plus strand): 5'-TGAGATAAGTGTTTGATGACTGTTTTCATGGTGAGTTGAATAACTTTGTACACACAGGGG[C>CT]TTTTGAAAGCAACCACAGTAATACAAGATGAAGATTATATGTTACAAGTCTATGGAAAGC-3'

ClinVar aggregate classification (germline): Pathogenic (1 of 4 stars; one submission).

Conditions:
Short-rib thoracic dysplasia 14 with polydactyly (SRTD14). Identifiers: Orphanet 397715, MedGen C4225286, MONDO:0014688, OMIM 616546.
Joubert syndrome 23 (JBTS23). Identifiers: Orphanet 475, MedGen C4084822, MONDO:0014664, OMIM 616490.

Submission:

Labcorp Genetics (formerly Invitae), Labcorp
Classification: Pathogenic for Joubert syndrome 23; Short-rib thoracic dysplasia 14 with polydactyly. Last evaluated: 2023-12-11. Review status: criteria provided, single submitter. Criteria: Invitae Variant Classification Sherloc (09022015). Collection method: clinical testing. Allele origin: germline.
Comment: This sequence change creates a premature translational stop signal (p.Leu684Phefs*10) in the KIAA0586 gene. It is expected to result in an absent or disrupted protein product. Loss-of-function variants in KIAA0586 are known to be pathogenic (PMID: 26096313, 26166481, 26386044). This variant is not present in population databases (gnomAD no frequency). This variant has not been reported in the literature in individuals affected with KIAA0586-related conditions. ClinVar contains an entry for this variant (Variation ID: 2128114). For these reasons, this variant has been classified as Pathogenic.

Literature cited by the submitters: PubMed 26096313; PubMed 26166481; PubMed 26386044.